The following is an entry in ClinVar:

NM_005568.5(LHX1):c.1149G>A (p.Ser383=)

Gene: LHX1 (LIM homeobox 1; plus strand). Cytogenetic location: 17q12.
Variant type: single nucleotide variant.
Coding change: c.1149G>A on transcript NM_005568.5 (MANE Select); coding-DNA position 1149, G replaced by A.
Protein change: p.Ser383=; no amino-acid change (serine 383 retained).
Molecular consequence: synonymous variant.
Genome position (GRCh38, 1-based): chr17:36,943,059, G>A. VCF-style: chr17-36943059-G-A. GRCh37 (hg19) VCF-style: chr17-35300356-G-A.
Identifiers: ClinVar variation 2647692 (VCV002647692.24), dbSNP rs373405460, ClinGen allele CA8513867.

ClinVar aggregate classification (germline): Likely benign (1 of 4 stars; one submission).

Allele frequency attached by ClinVar (database versions not stated): ESP Exome Variant Server 0.00015; 1000 Genomes Project 30x 0.00016; gnomAD 0.00018; 1000 Genomes Project 0.00020.
gnomAD v4.1: 361 of 1,607,418 alleles (0.022%); highest among the groups gnomAD compares: Non-Finnish European, 0.026%; no homozygotes.

Submission:

CeGaT Center for Human Genetics Tuebingen
Classification: Likely benign. Last evaluated: 2022-10-01. Review status: criteria provided, single submitter. Criteria: CeGaT Center For Human Genetics Tuebingen Variant Classification Criteria Version 2. Collection method: clinical testing. Allele origin: germline. Affected: yes. Observed: 1 variant allele.
Comment: LHX1: BP4, BP7